The following is an entry in ClinVar:

NM_001085487.3(MYSM1):c.17C>A (p.Ala6Glu)

Genes: MYSM1 (Myb like, SWIRM and MPN domains 1; minus strand), LOC129930616 (ATAC-STARR-seq lymphoblastoid active region 1087; plus strand). Cytogenetic location: 1p32.1.
Variant type: single nucleotide variant.
Coding change: c.17C>A on transcript NM_001085487.3 (MANE Select); coding-DNA position 17, C replaced by A.
Protein change: p.Ala6Glu; replaces alanine 6 with glutamic acid.
Molecular consequence: missense variant.
Genome position (GRCh38, 1-based): chr1:58,700,036, G>T on the plus strand (C>A on the coding strand, the complement: MYSM1 is on the minus strand). VCF-style: chr1-58700036-G-T. GRCh37 (hg19) VCF-style: chr1-59165708-G-T.
Other names: short protein forms A6E.
Identifiers: ClinVar variation 1966572 (VCV001966572.5), dbSNP rs12402204, ClinGen allele CA340534641.

ClinVar aggregate classification (germline): Uncertain significance (1 of 4 stars; one submission).

gnomAD v4.1: 2 of 1,613,588 alleles (0.00012%); highest among the groups gnomAD compares: Non-Finnish European, 0.000085%; no homozygotes.

Submission:

Labcorp Genetics (formerly Invitae), Labcorp
Classification: Uncertain significance. Last evaluated: 2022-03-22. Review status: criteria provided, single submitter. Criteria: Invitae Variant Classification Sherloc (09022015). Collection method: clinical testing. Allele origin: germline.
Comment: In summary, the available evidence is currently insufficient to determine the role of this variant in disease. Therefore, it has been classified as a Variant of Uncertain Significance. Algorithms developed to predict the effect of missense changes on protein structure and function (SIFT, PolyPhen-2, Align-GVGD) all suggest that this variant is likely to be tolerated. This variant has not been reported in the literature in individuals affected with MYSM1-related conditions. This variant is not present in population databases (gnomAD no frequency). This sequence change replaces alanine, which is neutral and non-polar, with glutamic acid, which is acidic and polar, at codon 6 of the MYSM1 protein (p.Ala6Glu).